The following is an entry in ClinVar:

ClinVar aggregate classification (germline): Uncertain significance. Review status: criteria provided, multiple submitters, no conflicts (2 of 4 stars). 2 submissions from 2 submitters: Uncertain significance (2). Last evaluated 2024-03-26.

Submissions (2):

Labcorp Genetics (formerly Invitae), Labcorp
Classification: Uncertain significance. Last evaluated: 2024-03-26. Review status: criteria provided, single submitter. Criteria: Invitae Variant Classification Sherloc (09022015). Collection method: clinical testing. Allele origin: germline.
Comment: This sequence change replaces glycine, which is neutral and non-polar, with valine, which is neutral and non-polar, at codon 1219 of the MYO7A protein (p.Gly1219Val). This variant is not present in population databases (gnomAD no frequency). This variant has not been reported in the literature in individuals affected with MYO7A-related conditions. ClinVar contains an entry for this variant (Variation ID: 517280). Advanced modeling of protein sequence and biophysical properties (such as structural, functional, and spatial information, amino acid conservation, physicochemical variation, residue mobility, and thermodynamic stability) has been performed at Invitae for this missense variant, however the output from this modeling did not meet the statistical confidence thresholds required to predict the impact of this variant on MYO7A protein function. In summary, the available evidence is currently insufficient to determine the role of this variant in disease. Therefore, it has been classified as a Variant of Uncertain Significance.

Laboratory for Molecular Medicine, Mass General Brigham Personalized Medicine
Classification: Uncertain significance. Last evaluated: 2017-03-07. Review status: criteria provided, single submitter. Criteria: LMM Criteria. Collection method: clinical testing. Allele origin: germline. Observed: 2 variant alleles.
Comment: The p.Gly1219Val variant in MYO7A has not been previously reported in individual s with hearing loss or Usher syndrome. Data from large population studies is ins ufficient to assess the frequency of this variant. Computational prediction tool s and conservation analyses do not provide strong support for or against an impa ct to the protein. In summary, the clinical significance of the p.Gly1219Val var iant is uncertain.

NM_000260.4(MYO7A):c.3656G>T (p.Gly1219Val)

Gene: MYO7A (myosin VIIA; plus strand). Cytogenetic location: 11q13.5.
Variant type: single nucleotide variant.
Coding change: c.3656G>T on transcript NM_000260.4 (MANE Select); coding-DNA position 3656, G replaced by T.
Protein change: p.Gly1219Val; replaces glycine 1219 with valine.
Molecular consequence: missense variant.
Genome position (GRCh38, 1-based): chr11:77,190,045, G>T. VCF-style: chr11-77190045-G-T. GRCh37 (hg19) VCF-style: chr11-76901090-G-T.
Other names: c.3656G>T, p.Gly1219Val (NM_001127180.2); c.3623G>T, p.Gly1208Val (NM_001369365.1); short protein forms G1219V, G1208V.
Identifiers: ClinVar variation 517280 (VCV000517280.11), dbSNP rs1555090958, ClinGen allele CA381947158.